The following is an entry in ClinVar:

ClinVar aggregate classification (germline): Uncertain significance (1 of 4 stars; one submission).

Conditions:
Primary dilated cardiomyopathy (DCM). Also called: Dilated Cardiomyopathy. Identifiers: Orphanet 217604, MedGen C0007193, MeSH D002311, MONDO:0005021, HP:0001644. Inheritance: Various modes of inheritance.

gnomAD v4.1: 11 of 1,494,398 alleles (0.00074%); highest among the groups gnomAD compares: Non-Finnish European, 0.00097%; no homozygotes.

Submission:

Labcorp Genetics (formerly Invitae), Labcorp
Classification: Uncertain significance for Primary dilated cardiomyopathy. Last evaluated: 2024-11-24. Review status: criteria provided, single submitter. Criteria: Invitae Variant Classification Sherloc (09022015). Collection method: clinical testing. Allele origin: germline.
Comment: This sequence change replaces valine, which is neutral and non-polar, with leucine, which is neutral and non-polar, at codon 22 of the TXNRD2 protein (p.Val22Leu). The frequency data for this variant in the population databases is considered unreliable, as metrics indicate poor data quality at this position in the gnomAD database. This variant has not been reported in the literature in individuals affected with TXNRD2-related conditions. ClinVar contains an entry for this variant (Variation ID: 661333). An algorithm developed to predict the effect of missense changes on protein structure and function (PolyPhen-2) suggests that this variant is likely to be tolerated. In summary, the available evidence is currently insufficient to determine the role of this variant in disease. Therefore, it has been classified as a Variant of Uncertain Significance.

NM_006440.5(TXNRD2):c.64G>T (p.Val22Leu)

Genes: TXNRD2 (thioredoxin reductase 2; minus strand), LOC130066960 (ATAC-STARR-seq lymphoblastoid silent region 13467; plus strand). Cytogenetic location: 22q11.21.
Variant type: single nucleotide variant.
Coding change: c.64G>T on transcript NM_006440.5 (MANE Select); coding-DNA position 64, G replaced by T.
Protein change: p.Val22Leu; replaces valine 22 with leucine.
Molecular consequence: missense variant. On other transcripts: non-coding transcript variant (1).
Genome position (GRCh38, 1-based): chr22:19,941,740, C>A on the plus strand (G>T on the coding strand, the complement: TXNRD2 is on the minus strand). VCF-style: chr22-19941740-C-A. GRCh37 (hg19) VCF-style: chr22-19929263-C-A.
Other names: c.64G>T, p.Val22Leu (NM_001282512.3, NM_001352300.2); short protein forms V22L.
Identifiers: ClinVar variation 661333 (VCV000661333.3), dbSNP rs370819229, ClinGen allele CA410700066.